The following is an entry in ClinVar:

ClinVar aggregate classification (germline): Uncertain significance (1 of 4 stars; one submission).

gnomAD v4.1: 2 of 1,613,852 alleles (0.00012%); highest among the groups gnomAD compares: African/African-American, 0.0027%; no homozygotes.

Submission:

GeneDx
Classification: Uncertain significance. Last evaluated: 2023-11-21. Review status: criteria provided, single submitter. Criteria: GeneDx Variant Classification Process June 2021. Collection method: clinical testing. Allele origin: germline. Affected: yes.
Comment: Not observed at significant frequency in large population cohorts (gnomAD); In silico analysis supports that this missense variant has a deleterious effect on protein structure/function; Has not been previously published as pathogenic or benign to our knowledge

NM_004830.4(MED23):c.1676T>C (p.Leu559Ser)

Gene: MED23 (mediator complex subunit 23; minus strand). Cytogenetic location: 6q23.2.
Variant type: single nucleotide variant.
Coding change: c.1676T>C on transcript NM_004830.4 (MANE Select); coding-DNA position 1676, T replaced by C.
Protein change: p.Leu559Ser; replaces leucine 559 with serine.
Molecular consequence: missense variant.
Genome position (GRCh38, 1-based): chr6:131,604,258, A>G on the plus strand (T>C on the coding strand, the complement: MED23 is on the minus strand). VCF-style: chr6-131604258-A-G. GRCh37 (hg19) VCF-style: chr6-131925398-A-G.
Other names: c.1676T>C, p.Leu559Ser (NM_001270521.2, NM_001270522.2, NM_001376519.1 and 3 more transcripts); c.1694T>C, p.Leu565Ser (NM_001376517.1, NM_015979.4); c.1622T>C, p.Leu541Ser (NM_001376518.1); c.1535T>C, p.Leu512Ser (NM_001376520.1); c.1421T>C, p.Leu474Ser (NM_001376523.1); short protein forms L474S, L512S, L541S, L559S, L565S.
Identifiers: ClinVar variation 3364585 (VCV003364585.1).